The following is an entry in ClinVar:

ClinVar aggregate classification (germline): Uncertain significance. Review status: criteria provided, multiple submitters, no conflicts (2 of 4 stars). 2 submissions from 2 submitters: Uncertain significance (2). Last evaluated 2025-11-22.

Conditions:
Cardiomyopathy (CMYO). Also called: Cardiomyopathies. Identifiers: Orphanet 167848, MedGen C0878544, MONDO:0004994, HP:0001638. Inheritance: Various modes of inheritance.
Hypertrophic cardiomyopathy 2. Also called: TNNT2-Related Familial Hypertrophic Cardiomyopathy. Identifiers: MedGen C1861864, MONDO:0007266, OMIM 115195.
Cardiomyopathy, familial restrictive, 3. Identifiers: Orphanet 75249, MedGen C2676271, MONDO:0012900, OMIM 612422.
Dilated cardiomyopathy 1D. Identifiers: Orphanet 154, Orphanet 54260, MedGen C1832243, MONDO:0011095, OMIM 601494.

Submissions (2):

Labcorp Genetics (formerly Invitae), Labcorp
Classification: Uncertain significance for Cardiomyopathy, familial restrictive, 3; Hypertrophic cardiomyopathy 2; Dilated cardiomyopathy 1D. Last evaluated: 2025-11-22. Review status: criteria provided, single submitter. Criteria: Invitae Variant Classification Sherloc (09022015). Collection method: clinical testing. Allele origin: germline.
Comment: This sequence change falls in intron 10 of the TNNT2 gene. It does not directly change the encoded amino acid sequence of the TNNT2 protein. It affects a nucleotide within the consensus splice site. This variant is not present in population databases (gnomAD no frequency). This variant has not been reported in the literature in individuals affected with TNNT2-related conditions. ClinVar contains an entry for this variant (Variation ID: 924697). Variants that disrupt the consensus splice site are a relatively common cause of aberrant splicing (PMID: 17576681, 9536098). Algorithms developed to predict the effect of sequence changes on RNA splicing suggest that this variant may disrupt the consensus splice site. In summary, the available evidence is currently insufficient to determine the role of this variant in disease. Therefore, it has been classified as a Variant of Uncertain Significance.

Color Diagnostics, LLC DBA Color Health
Classification: Uncertain significance for Cardiomyopathy. Last evaluated: 2019-11-15. Review status: criteria provided, single submitter. Criteria: ACMG Guidelines, 2015. Collection method: clinical testing. Allele origin: germline.
Comment: This variant causes a G>A nucleotide substitution at the +5 position of intron 10 of the TNNT2 gene. Splice prediction tools suggest that this variant may impact RNA splicing. To our knowledge, functional studies have not been performed for this variant. This variant has not been reported in individuals affected with cardiovascular disorders in the literature. This variant has not been identified in the general population by the Genome Aggregation Database (gnomAD). The available evidence is insufficient to determine the role of this variant in disease conclusively. Therefore, this variant is classified as a Variant of Uncertain Significance.

Literature cited by the submitters: PubMed 17576681 (cited by Labcorp Genetics (formerly Invitae), Labcorp); PubMed 9536098 (cited by Labcorp Genetics (formerly Invitae), Labcorp).

NM_001276345.2(TNNT2):c.489+5G>A

Gene: TNNT2 (troponin T2, cardiac type; minus strand). Cytogenetic location: 1q32.1.
Variant type: single nucleotide variant.
Coding change: c.489+5G>A on transcript NM_001276345.2 (MANE Select); 5 bases into the intron after coding-DNA position 489, G replaced by A.
Molecular consequence: intron variant.
Genome position (GRCh38, 1-based): chr1:201,364,293, C>T on the plus strand (G>A on the coding strand, the complement: TNNT2 is on the minus strand). VCF-style: chr1-201364293-C-T. GRCh37 (hg19) VCF-style: chr1-201333421-C-T.
Other names: c.444+5G>A (NM_001001432.3); c.459+5G>A (NM_001001431.3, NM_001001430.3, NM_001276347.2); c.369+5G>A (NM_001276346.2); c.489+5G>A (NM_000364.4).
Identifiers: ClinVar variation 924697 (VCV000924697.4), dbSNP rs1659249392, ClinGen allele CA1139655544.